The following is an entry in ClinVar:

ClinVar aggregate classification (germline): Uncertain significance (1 of 4 stars; one submission).

Conditions:
Familial thoracic aortic aneurysm and aortic dissection (TAAD). Also called: Thoracic aortic aneurysms and dissections. Identifiers: Orphanet 91387, MedGen C4707243, MONDO:0019625.

Submission:

Color Diagnostics, LLC DBA Color Health
Classification: Uncertain significance for Familial thoracic aortic aneurysm and aortic dissection. Last evaluated: 2019-02-16. Review status: criteria provided, single submitter. Criteria: ACMG Guidelines, 2015. Collection method: clinical testing. Allele origin: germline.
Comment: Variant of Uncertain Significance due to insufficient evidence: This missense variant replaces arginine with glycine at codon 2554 of the FBN1 protein. Computational prediction tools and conservation analyses are inconclusive regarding the impact of this variant on the protein function. Computational splicing tools suggest that this variant may not impact RNA splicing. To our knowledge, functional assays have not been performed for this variant nor has this variant been reported in individuals affected with cardiovascular disorders in the literature. This variant is rare in the general population and has been identified in 0/277264 chromosomes by the Genome Aggregation Database (gnomAD). Available evidence is insufficient to determine the role of this variant in disease conclusively.

NM_000138.5(FBN1):c.7660C>G (p.Arg2554Gly)

Gene: FBN1 (fibrillin 1; minus strand). Cytogenetic location: 15q21.1.
Variant type: single nucleotide variant.
Coding change: c.7660C>G on transcript NM_000138.5 (MANE Select); coding-DNA position 7660, C replaced by G.
Protein change: p.Arg2554Gly; replaces arginine 2554 with glycine.
Molecular consequence: missense variant.
Genome position (GRCh38, 1-based): chr15:48,421,597, G>C on the plus strand (C>G on the coding strand, the complement: FBN1 is on the minus strand). VCF-style: chr15-48421597-G-C. GRCh37 (hg19) VCF-style: chr15-48713794-G-C.
Other names: short protein forms R2554G.
Identifiers: ClinVar variation 921473 (VCV000921473.3), dbSNP rs369294972, ClinGen allele CA392325076.